The following is an entry in ClinVar:

NM_001278116.2(L1CAM):c.3531-2A>G

Gene: L1CAM (L1 cell adhesion molecule; minus strand). Cytogenetic location: Xq28.
Variant type: single nucleotide variant.
Coding change: c.3531-2A>G on transcript NM_001278116.2 (MANE Select); the canonical splice acceptor site of the intron before coding-DNA position 3531, A replaced by G.
Molecular consequence: splice acceptor variant. On other transcripts: intron variant (2).
Genome position (GRCh38, 1-based): chrX:153,863,381, T>C on the plus strand (A>G on the coding strand, the complement: L1CAM is on the minus strand). VCF-style: chrX-153863381-T-C. GRCh37 (hg19) VCF-style: chrX-153128836-T-C.
Other names: NC_000023.10:g.153128836T>C; c.3515+96A>G (NM_001143963.2); c.3530+96A>G (NM_024003.3); c.3531-2A>G (NM_000425.5).
Identifiers: ClinVar variation 4045693 (VCV004045693.2).

ClinVar aggregate classification (germline): Uncertain significance (1 of 4 stars; one submission).

Conditions:
Inborn genetic diseases. Identifiers: MedGen C0950123, MeSH D030342.

Submissions (2):

Ambry Genetics
Classification: Uncertain significance for Inborn genetic diseases. Last evaluated: 2025-06-13. Review status: criteria provided, single submitter. Criteria: Ambry Variant Classification Scheme 2023. Collection method: clinical testing. Allele origin: germline.
Comment: The c.3531-2A>G intronic variant results from an A to G substitution two nucleotides before coding exon 27 of the L1CAM gene. Alterations that disrupt the canonical splice site are expected to result in aberrant splicing. The resulting transcript is predicted to be in-frame and is not expected to trigger nonsense-mediated mRNA decay, although direct evidence is unavailable. This variant was not reported in population-based cohorts in the Genome Aggregation Database (gnomAD). This nucleotide position is highly conserved in available vertebrate species. In silico splice site analysis predicts that this alteration will weaken the native splice acceptor site. Based on insufficient or conflicting evidence, the clinical significance of this alteration remains unclear.

Dr. Peter K. Rogan Lab, Western University
No classification provided (evidence only). Condition: Thyroid cancer, nonmedullary, 1. Review status: no classification provided. Collection method: in vitro. Allele origin: not applicable. Functional consequence: retained intron. Not counted in ClinVar's aggregate classification.